The following is an entry in ClinVar:

NM_001190.4(BCAT2):c.1147A>G (p.Ile383Val)

Genes: BCAT2 (branched chain amino acid transaminase 2; minus strand), LOC130064882 (ATAC-STARR-seq lymphoblastoid active region 14907; plus strand). Cytogenetic location: 19q13.33.
Variant type: single nucleotide variant.
Coding change: c.1147A>G on transcript NM_001190.4 (MANE Select); coding-DNA position 1147, A replaced by G.
Protein change: p.Ile383Val; replaces isoleucine 383 with valine.
Molecular consequence: missense variant.
Genome position (GRCh38, 1-based): chr19:48,795,458, T>C on the plus strand (A>G on the coding strand, the complement: BCAT2 is on the minus strand). VCF-style: chr19-48795458-T-C. GRCh37 (hg19) VCF-style: chr19-49298715-T-C.
Other names: c.871A>G, p.Ile291Val (NM_001164773.2); c.1027A>G, p.Ile343Val (NM_001284325.2); short protein forms I291V, I343V, I383V.
Identifiers: ClinVar variation 2419240 (VCV002419240.7), dbSNP rs145231743, ClinGen allele CA406717512.

ClinVar aggregate classification (germline): Uncertain significance (1 of 4 stars; one submission).

gnomAD v4.1: 1 of 1,613,980 alleles (0.000062%); highest among the groups gnomAD compares: Non-Finnish European, 0.000085%; no homozygotes.

Submission:

Labcorp Genetics (formerly Invitae), Labcorp
Classification: Uncertain significance. Last evaluated: 2024-10-28. Review status: criteria provided, single submitter. Criteria: Invitae Variant Classification Sherloc (09022015). Collection method: clinical testing. Allele origin: germline.
Comment: This sequence change replaces isoleucine, which is neutral and non-polar, with valine, which is neutral and non-polar, at codon 383 of the BCAT2 protein (p.Ile383Val). This variant is not present in population databases (gnomAD no frequency). This variant has not been reported in the literature in individuals affected with BCAT2-related conditions. ClinVar contains an entry for this variant (Variation ID: 2419240). Invitae Evidence Modeling of protein sequence and biophysical properties (such as structural, functional, and spatial information, amino acid conservation, physicochemical variation, residue mobility, and thermodynamic stability) indicates that this missense variant is not expected to disrupt BCAT2 protein function with a negative predictive value of 80%. In summary, the available evidence is currently insufficient to determine the role of this variant in disease. Therefore, it has been classified as a Variant of Uncertain Significance.